The following is an entry in ClinVar:

ClinVar aggregate classification (germline): Uncertain significance (1 of 4 stars; one submission).

Allele frequency attached by ClinVar (database versions not stated): gnomAD 0.00001.

Submission:

Labcorp Genetics (formerly Invitae), Labcorp
Classification: Uncertain significance. Last evaluated: 2023-09-08. Review status: criteria provided, single submitter. Criteria: Invitae Variant Classification Sherloc (09022015). Collection method: clinical testing. Allele origin: germline.
Comment: This sequence change replaces cysteine, which is neutral and slightly polar, with tryptophan, which is neutral and slightly polar, at codon 232 of the TOP2B protein (p.Cys232Trp). This variant is present in population databases (no rsID available, gnomAD 0.007%). This variant has not been reported in the literature in individuals affected with TOP2B-related conditions. An algorithm developed to predict the effect of missense changes on protein structure and function (PolyPhen-2) suggests that this variant is likely to be disruptive. In summary, the available evidence is currently insufficient to determine the role of this variant in disease. Therefore, it has been classified as a Variant of Uncertain Significance.

NM_001330700.2(TOP2B):c.711C>G (p.Cys237Trp)

Gene: TOP2B (DNA topoisomerase II beta; minus strand). Cytogenetic location: 3p24.2.
Variant type: single nucleotide variant.
Coding change: c.711C>G on transcript NM_001330700.2 (MANE Select); coding-DNA position 711, C replaced by G.
Protein change: p.Cys237Trp; replaces cysteine 237 with tryptophan.
Molecular consequence: missense variant.
Genome position (GRCh38, 1-based): chr3:25,636,077, G>C on the plus strand (C>G on the coding strand, the complement: TOP2B is on the minus strand). VCF-style: chr3-25636077-G-C. GRCh37 (hg19) VCF-style: chr3-25677568-G-C.
Other names: c.696C>G, p.Cys232Trp (NM_001068.3); short protein forms C237W, C232W.
Identifiers: ClinVar variation 2797978 (VCV002797978.3), dbSNP rs1434685416, ClinGen allele CA351912183.